The following is an entry in ClinVar:

NM_001267550.2(TTN):c.104024G>A (p.Arg34675Lys)

Genes: TTN-AS1 (TTN antisense RNA 1; plus strand), TTN (titin; minus strand). Cytogenetic location: 2q31.2.
Variant type: single nucleotide variant.
Coding change: c.104024G>A on transcript NM_001267550.2 (MANE Select); coding-DNA position 104024, G replaced by A.
Protein change: p.Arg34675Lys; replaces arginine 34675 with lysine.
Molecular consequence: missense variant.
Genome position (GRCh38, 1-based): chr2:178,532,591, C>T on the plus strand (G>A on the coding strand, the complement: TTN is on the minus strand). VCF-style: chr2-178532591-C-T. GRCh37 (hg19) VCF-style: chr2-179397318-C-T.
Other names: c.99101G>A, p.Arg33034Lys (NM_001256850.1); c.76829G>A, p.Arg25610Lys (NM_003319.4); c.96320G>A, p.Arg32107Lys (NM_133378.4); c.77204G>A, p.Arg25735Lys (NM_133432.3); c.77405G>A, p.Arg25802Lys (NM_133437.4); short protein forms R34675K, R25610K, R25802K, R25735K, R32107K, R33034K.
Identifiers: ClinVar variation 466724 (VCV000466724.11), dbSNP rs765125364, ClinGen allele CA60956507.

ClinVar aggregate classification (germline): Uncertain significance. Review status: criteria provided, multiple submitters, no conflicts (2 of 4 stars). 3 submissions from 3 submitters: Uncertain significance (3). Last evaluated 2026-07-29.

Conditions:
TTN-related disorder. Also called: TTN-related condition; TTN-related disease; TTN-related disorders.
Cardiovascular phenotype. Identifiers: MedGen CN230736.
Autosomal recessive limb-girdle muscular dystrophy type 2J (LGMDR10). Also called: Limb-girdle muscular dystrophy, type 2J; MUSCULAR DYSTROPHY, LIMB-GIRDLE, AUTOSOMAL RECESSIVE 10. Identifiers: Orphanet 140922, MedGen C1837342, MONDO:0012127, OMIM 608807.
Dilated cardiomyopathy 1G (CMD1G). Identifiers: Orphanet 154, MedGen C1858763, MONDO:0011400, OMIM 604145.

Allele frequency attached by ClinVar (database versions not stated): TOPMed 0.00003.
gnomAD v4.1: 8 of 1,613,932 alleles (0.0005%); highest among the groups gnomAD compares: East Asian, 0.018%; no homozygotes.

Submissions (3):

PreventionGenetics, part of Exact Sciences
Classification: Uncertain significance for TTN-related condition. Last evaluated: 2026-07-29. Review status: criteria provided, single submitter. Criteria: ACMG Guidelines, 2015. Collection method: clinical testing. Allele origin: germline.
Comment: The TTN c.104024G>A variant is predicted to result in the amino acid substitution p.Arg34675Lys. This variant has been reported in an individual with arrhythmogenic cardiomyopathy (reported as c.96320G>A, p.Arg32107Lys in transcript NM_133378, Chen et al. 2018. PubMed ID: 29750433). This variant is reported in 0.017% of alleles in individuals of East Asian descent in gnomAD. At this time, the clinical significance of this variant is uncertain due to the absence of conclusive functional and genetic evidence.

Labcorp Genetics (formerly Invitae), Labcorp
Classification: Uncertain significance for Dilated cardiomyopathy 1G; Autosomal recessive limb-girdle muscular dystrophy type 2J. Last evaluated: 2025-12-09. Review status: criteria provided, single submitter. Criteria: Invitae Variant Classification Sherloc (09022015). Collection method: clinical testing. Allele origin: germline.
Comment: This sequence change replaces arginine, which is basic and polar, with lysine, which is basic and polar, at codon 34675 of the TTN protein (p.Arg34675Lys). This variant is present in population databases (no rsID available, gnomAD 0.02%). This missense change has been observed in individual(s) with clinical features of arrhythmogenic cardiomyopathy (PMID: 29750433). This variant is also known as c.96320G>A (p.R32107K). ClinVar contains an entry for this variant (Variation ID: 466724). Experimental studies and prediction algorithms are not available or were not evaluated, and the functional significance of this variant is currently unknown. This variant is located in the M band of TTN (PMID: 25589632). Non-truncating variants in this region may be relevant for neuromuscular disorders, but have not been definitively shown to cause cardiomyopathy (PMID: 23975875). In summary, the available evidence is currently insufficient to determine the role of this variant in disease. Therefore, it has been classified as a Variant of Uncertain Significance.

Ambry Genetics
Classification: Uncertain significance for Cardiovascular phenotype. Last evaluated: 2019-07-27. Review status: criteria provided, single submitter. Criteria: Ambry Variant Classification Scheme 2023. Collection method: clinical testing. Allele origin: germline.
Comment: The p.R25610K variant (also known as c.76829G>A), located in coding exon 185 of the TTN gene, results from a G to A substitution at nucleotide position 76829. The arginine at codon 25610 is replaced by lysine, an amino acid with highly similar properties. This amino acid position is well conserved in available vertebrate species. In addition, this alteration is predicted to be tolerated by in silico analysis. Since supporting evidence is limited at this time, the clinical significance of this alteration remains unclear.

Literature cited by the submitters: PubMed 29750433 (cited by Labcorp Genetics (formerly Invitae), Labcorp); PubMed 25589632 (cited by Labcorp Genetics (formerly Invitae), Labcorp); PubMed 23975875 (cited by Labcorp Genetics (formerly Invitae), Labcorp).